The following is an entry in ClinVar:

NM_002579.3(PALM):c.875C>A (p.Pro292His)

Gene: PALM (paralemmin; plus strand). Cytogenetic location: 19p13.3.
Variant type: single nucleotide variant.
Coding change: c.875C>A on transcript NM_002579.3 (MANE Select); coding-DNA position 875, C replaced by A.
Protein change: p.Pro292His; replaces proline 292 with histidine.
Molecular consequence: missense variant.
Genome position (GRCh38, 1-based): chr19:746,525, C>A. VCF-style: chr19-746525-C-A. GRCh37 (hg19) VCF-style: chr19-746525-C-A.
Other names: c.743C>A, p.Pro248His (NM_001040134.2); short protein forms P248H, P292H.
Identifiers: ClinVar variation 4765327 (VCV004765327.1).

ClinVar aggregate classification (germline): Uncertain significance (1 of 4 stars; one submission).

Submission:

Labcorp Genetics (formerly Invitae), Labcorp
Classification: Uncertain significance. Last evaluated: 2025-10-08. Review status: criteria provided, single submitter. Criteria: Invitae Variant Classification Sherloc (09022015). Collection method: clinical testing. Allele origin: germline.
Comment: This sequence change replaces proline, which is neutral and non-polar, with histidine, which is basic and polar, at codon 292 of the PALM protein (p.Pro292His). This variant is not present in population databases (gnomAD no frequency). This variant has not been reported in the literature in individuals affected with PALM-related conditions. An algorithm developed to predict the effect of missense changes on protein structure and function (PolyPhen-2) suggests that this variant is likely to be disruptive. In summary, the available evidence is currently insufficient to determine the role of this variant in disease. Therefore, it has been classified as a Variant of Uncertain Significance.